The following is an entry in ClinVar:

ClinVar aggregate classification (germline): Uncertain significance (1 of 4 stars; one submission).

Conditions:
Hereditary nonpolyposis colorectal neoplasms. Identifiers: MedGen C0009405, MeSH D003123.

Submission:

Labcorp Genetics (formerly Invitae), Labcorp
Classification: Uncertain significance for Hereditary nonpolyposis colorectal neoplasms. Last evaluated: 2025-04-09. Review status: criteria provided, single submitter. Criteria: Invitae Variant Classification Sherloc (09022015). Collection method: clinical testing. Allele origin: germline.
Comment: This sequence change replaces lysine, which is basic and polar, with threonine, which is neutral and polar, at codon 824 of the MSH6 protein (p.Lys824Thr). This variant is not present in population databases (gnomAD no frequency). This missense change has been observed in individual(s) with gastric cancer (PMID: 34326862). Invitae Evidence Modeling of protein sequence and biophysical properties (such as structural, functional, and spatial information, amino acid conservation, physicochemical variation, residue mobility, and thermodynamic stability) has been performed for this missense variant. However, the output from this modeling did not meet the statistical confidence thresholds required to predict the impact of this variant on MSH6 protein function. In summary, the available evidence is currently insufficient to determine the role of this variant in disease. Therefore, it has been classified as a Variant of Uncertain Significance.

Literature cited by the submitters: PubMed 34326862.

NM_000179.3(MSH6):c.2471A>C (p.Lys824Thr)

Gene: MSH6 (mutS homolog 6; plus strand). Cytogenetic location: 2p16.3.
Variant type: single nucleotide variant.
Coding change: c.2471A>C on transcript NM_000179.3 (MANE Select); coding-DNA position 2471, A replaced by C.
Protein change: p.Lys824Thr; replaces lysine 824 with threonine.
Molecular consequence: missense variant. On other transcripts: non-coding transcript variant (5), intron variant (3).
Genome position (GRCh38, 1-based): chr2:47,800,454, A>C. VCF-style: chr2-47800454-A-C. GRCh37 (hg19) VCF-style: chr2-48027593-A-C.
Other names: c.2081A>C, p.Lys694Thr (NM_001281492.2); c.1565A>C, p.Lys522Thr (NM_001281493.2, NM_001281494.2, NM_001406811.1 and 6 more transcripts); c.2567A>C, p.Lys856Thr (NM_001406795.1, NM_001406802.1); c.2471A>C, p.Lys824Thr (NM_001406796.1, NM_001406798.1, NM_001406800.1 and 2 more transcripts); c.2174A>C, p.Lys725Thr (NM_001406797.1, NM_001406801.1, NM_001406805.1 and 10 more transcripts); c.1946A>C, p.Lys649Thr (NM_001406799.1, NM_001406806.1, NM_001406807.1); c.2393A>C, p.Lys798Thr (NM_001406804.1); c.2477A>C, p.Lys826Thr (NM_001406813.1); and 4 more; short protein forms K694T, K725T, K649T, K798T, K856T, K768T, K824T, K826T.
Identifiers: ClinVar variation 4751282 (VCV004751282.1).